The following is an entry in ClinVar:

NM_002225.5(IVD):c.1A>C (p.Met1Leu)

Gene: IVD (isovaleryl-CoA dehydrogenase; plus strand). Cytogenetic location: 15q15.1.
Variant type: single nucleotide variant.
Coding change: c.1A>C on transcript NM_002225.5 (MANE Select); coding-DNA position 1, A replaced by C.
Protein change: p.Met1Leu; changes the start codon (methionine 1).
Molecular consequence: missense variant, initiator codon variant. On other transcripts: 5 prime UTR variant (1), non-coding transcript variant (1).
Genome position (GRCh38, 1-based): chr15:40,405,828, A>C. VCF-style: chr15-40405828-A-C. GRCh37 (hg19) VCF-style: chr15-40698029-A-C.
Other names: c.1A>C, p.Met1Leu (NM_001159508.3, NM_001354598.3, NM_001354599.3 and 2 more transcripts); c.-427A>C (NM_001354597.3); short protein forms M1L.
Identifiers: ClinVar variation 372664 (VCV000372664.2), dbSNP rs757261752, ClinGen allele CA16042949.

ClinVar aggregate classification (germline): Likely pathogenic (1 of 4 stars; one submission).

Submission:

GeneDx
Classification: Likely pathogenic. Last evaluated: 2016-09-29. Review status: criteria provided, single submitter. Criteria: GeneDx Variant Classification (06012015). Collection method: clinical testing. Allele origin: germline. Affected: yes.
Comment: A likely pathogenic variant has been identified in the IVD gene. The M4L variant has not been published as a pathogenic variant, nor has it been reported as a benign polymorphism to our knowledge. The M4L variant is a conservative amino acid substitution, which is not likely to impact secondary protein structure as these residues share similar properties. This substitution occurs at a position that is conserved across species. In silico analysis is inconsistent in its predictions as to whether or not the variant is damaging to the protein structure/function. Therefore, this variant is likely pathogenic; however, the possibility that it is benign cannot be excluded.